The following is an entry in ClinVar:

ClinVar aggregate classification (germline): Pathogenic (1 of 4 stars; one submission).

Conditions:
ALG6-congenital disorder of glycosylation 1C (CDG1C). Also called: CDG Ic; CARBOHYDRATE-DEFICIENT GLYCOPROTEIN SYNDROME, TYPE I, WITH DEFICIENT GLYCOSYLATION OF DOLICHOL-LINKED OLIGOSACCHARIDE; CARBOHYDRATE-DEFICIENT GLYCOPROTEIN SYNDROME, TYPE V; Congenital disorder of glycosylation type 1C; Congenital disorder of glycosylation, type Ic. Identifiers: Orphanet 79320, MedGen C2930997, MONDO:0011291, OMIM 603147.

Submission:

Myriad Genetics, Inc.
Classification: Pathogenic for ALG6-congenital disorder of glycosylation 1C. Last evaluated: 2025-03-08. Review status: criteria provided, single submitter. Criteria: Myriad Autosomal Dominant, Autosomal Recessive and X-Linked Classification Criteria (2023). Collection method: clinical testing. Allele origin: unknown.
Comment: NM_013339.3(ALG6):c.255T>A(Y85*) is expected to be pathogenic in the context of congenital disorder of glycosylation, ALG6-related. This variant is predicted to lead to an abnormal or absent protein product due to the creation of a premature termination codon in ALG6, a gene where loss-of-function variants are known to be pathogenic. Please note: this variant was assessed in the context of healthy population screening.

NM_013339.4(ALG6):c.255T>A (p.Tyr85Ter)

Gene: ALG6 (ALG6 alpha-1,3-glucosyltransferase; plus strand). Cytogenetic location: 1p31.3.
Variant type: single nucleotide variant.
Coding change: c.255T>A on transcript NM_013339.4 (MANE Select); coding-DNA position 255, T replaced by A.
Protein change: p.Tyr85Ter; replaces tyrosine 85 with a stop codon.
Molecular consequence: nonsense.
Genome position (GRCh38, 1-based): chr1:63,402,341, T>A. VCF-style: chr1-63402341-T-A. GRCh37 (hg19) VCF-style: chr1-63868012-T-A.
Other names: short protein forms Y85*.
Identifiers: ClinVar variation 5014192 (VCV005014192.1).